The following is an entry in ClinVar:

ClinVar aggregate classification (germline): Conflicting classifications of pathogenicity. Review status: criteria provided, conflicting classifications (1 of 4 stars). 7 submissions from 6 submitters: Uncertain significance (5); Likely benign (1). 1 of the submissions does not count toward it. Last evaluated 2026-04-30.

Conditions:
Diabetes mellitus, transient neonatal, 2 (TNDM2). Identifiers: Orphanet 99886, MedGen C1835887, MONDO:0012480, OMIM 610374. Disease mechanism: loss of function.
Type 2 diabetes mellitus. Also called: Type II diabetes mellitus. Identifiers: MedGen C0011860, MeSH D003924, MONDO:0005148, OMIM 125853, HP:0005978.
Hyperinsulinemic hypoglycemia, familial, 1 (HHF1). Also called: Persistent hyperinsulinemic hypoglycemia of infancy; HYPERINSULINISM, FAMILIAL, WITH PANCREATIC NESIDIOBLASTOSIS; HYPOGLYCEMIA, HYPERINSULINEMIC, OF INFANCY; NESIDIOBLASTOSIS OF PANCREAS; Persistent Hyperinsulinemia Hypoglycemia of Infancy. Identifiers: Orphanet 276575, Orphanet 276598, MedGen C2931832, MONDO:0009734, OMIM 256450.
Leucine-induced hypoglycemia (LIH). Also called: LEUCINE-SENSITIVE HYPOGLYCEMIA OF INFANCY. Identifiers: MedGen C0271714, MONDO:0009415, OMIM 240800.
Diabetes mellitus, permanent neonatal 3. Also called: ABCC8-Related Permanent Neonatal Diabetes Mellitus. Identifiers: MedGen C5394303, MONDO:0030088, OMIM 618857.
Maturity-onset diabetes of the young (MODY). Also called: Maturity onset diabetes mellitus in young. Identifiers: Orphanet 552, MedGen C0342276, MONDO:0018911, HP:0004904.
Hereditary hyperinsulinism.
Transitory neonatal diabetes mellitus. Also called: Transient neonatal diabetes mellitus. Identifiers: MedGen C0342273, MONDO:0020525, HP:0008255.

Allele frequency attached by ClinVar (database versions not stated): gnomAD 0.00005 and 0.00001; gnomAD exomes 0.00010 and 0.00009; 1000 Genomes Project 0.00040; TOPMed below 0.00001; 1000 Genomes Project 30x 0.00031; ExAC 0.00009.
gnomAD v4.1: 168 of 1,614,014 alleles (0.01%); highest among the groups gnomAD compares: South Asian, 0.065%; 1 homozygote.

Submissions (7):

GeneDx
Classification: Uncertain significance. Last evaluated: 2026-04-30. Review status: criteria provided, single submitter. Criteria: GeneDx Variant Classification Process June 2021. Collection method: clinical testing. Allele origin: germline.
Comment: Reported in one individual from large cohort of patients with dyslipidemia and metabolic disorders (PMID: 32041611); In silico analysis suggests that this missense variant does not alter protein structure/function; This variant is associated with the following publications: (PMID: 32041611)

Labcorp Genetics (formerly Invitae), Labcorp
Classification: Likely benign. Last evaluated: 2026-02-02. Review status: criteria provided, single submitter. Criteria: Invitae Variant Classification Sherloc (09022015). Collection method: clinical testing. Allele origin: germline.

Bioscientia Institut fuer Medizinische Diagnostik GmbH, Sonic Healthcare
Classification: Uncertain significance for Leucine-induced hypoglycemia. Last evaluated: 2025-03-17. Review status: criteria provided, single submitter. Criteria: ACMG Guidelines, 2015. Collection method: clinical testing. Allele origin: germline. Affected: yes.

Fulgent Genetics
Classification: Uncertain significance for Type 2 diabetes mellitus; Leucine-induced hypoglycemia; Hyperinsulinemic hypoglycemia, familial, 1; Diabetes mellitus, transient neonatal, 2; Diabetes mellitus, permanent neonatal 3. Last evaluated: 2024-01-10. Review status: criteria provided, single submitter. Criteria: ACMG Guidelines, 2015. Collection method: clinical testing. Allele origin: germline.

Clinical Genomics, Uppaluri K&H Personalized Medicine Clinic
Classification: Uncertain significance for Maturity-onset diabetes of the young. Review status: criteria provided, single submitter. Criteria: K & H Uppaluri Personalized Medicine Clinic Variant Classification & Assertion Criteria_Updated V.1. Collection method: research. Allele origin: unknown. Inheritance: Somatic mutation.
Comment: Mutations in ABCC8 gene are associated with both neonatal diabetes mellitus as well as MODY. Patients with this mutation may have a better response to sulfonylureas. However, no sufficient evidence is found to ascertain the role of this particular variant ( rs376206979) in MODY yet.

Clinical Genomics, Uppaluri K&H Personalized Medicine Clinic
Classification: Uncertain significance for Transitory neonatal diabetes mellitus. Review status: criteria provided, single submitter. Criteria: K & H Uppaluri Personalized Medicine Clinic Variant Classification & Assertion Criteria_Updated V.1. Collection method: research. Allele origin: unknown. Inheritance: Somatic mutation.
Comment: Mutations in ABCC8 gene are associated with both neonatal diabetes mellitus as well as MODY. Patients with this mutation may have a better response to sulfonylureas. However, no sufficient evidence is found to ascertain the role of this particular variant ( rs376206979) in neonatal diabetes yet.

Natera, Inc.
Classification: Uncertain significance for Hereditary hyperinsulinism. Last evaluated: 2020-04-10. Review status: no assertion criteria provided. Collection method: clinical testing. Allele origin: germline. Not counted in ClinVar's aggregate classification.

Literature cited by the submitters: PubMed 16885549 (cited by Clinical Genomics, Uppaluri K&H Personalized Medicine Clinic); PubMed 21989597 (cited by Clinical Genomics, Uppaluri K&H Personalized Medicine Clinic); PubMed 27538677 (cited by Clinical Genomics, Uppaluri K&H Personalized Medicine Clinic); PubMed 18981553 (cited by Clinical Genomics, Uppaluri K&H Personalized Medicine Clinic); PubMed 32027066 (cited by Clinical Genomics, Uppaluri K&H Personalized Medicine Clinic); PubMed 16613899 (cited by Clinical Genomics, Uppaluri K&H Personalized Medicine Clinic); PubMed 18025408 (cited by Clinical Genomics, Uppaluri K&H Personalized Medicine Clinic); PubMed 32792356 (cited by Clinical Genomics, Uppaluri K&H Personalized Medicine Clinic).

NM_000352.6(ABCC8):c.2209G>A (p.Val737Ile)

Gene: ABCC8 (ATP binding cassette subfamily C member 8; minus strand). Cytogenetic location: 11p15.1.
Variant type: single nucleotide variant.
Coding change: c.2209G>A on transcript NM_000352.6 (MANE Select); coding-DNA position 2209, G replaced by A.
Protein change: p.Val737Ile; replaces valine 737 with isoleucine.
Molecular consequence: missense variant. On other transcripts: non-coding transcript variant (1).
Genome position (GRCh38, 1-based): chr11:17,427,062, C>T on the plus strand (G>A on the coding strand, the complement: ABCC8 is on the minus strand). VCF-style: chr11-17427062-C-T. GRCh37 (hg19) VCF-style: chr11-17448609-C-T.
Other names: c.2209G>A (NM_000352.3, NM_000352.5); c.2209G>A, p.Val737Ile (NM_001287174.3); c.2275G>A, p.Val759Ile (NM_001351295.2); c.2206G>A, p.Val736Ile (NM_001351296.2, NM_001351297.2); short protein forms V736I, V737I, V759I.
Identifiers: ClinVar variation 990407 (VCV000990407.16), dbSNP rs376206979, ClinGen allele CA5903270.